The following is an entry in ClinVar:

NM_001164508.2(NEB):c.18211del (p.Asp6071fs)

Gene: NEB (nebulin; minus strand). Cytogenetic location: 2q23.3.
Variant type: Deletion.
Coding change: c.18211del on transcript NM_001164508.2 (MANE Select); coding-DNA position 18211, one base deleted (G; older notation c.18211delG).
Protein change: p.Asp6071fs; shifts the reading frame from aspartic acid 6071.
Molecular consequence: frameshift variant.
Genome position (GRCh38, 1-based): chr2:151,565,766, C deleted on the plus strand (G on the coding strand, the reverse complement: NEB is on the minus strand); the first of 2 consecutive C bases (chr2:151,565,766-151,565,767); deleting either gives the same sequence. VCF-style (leftmost placement, unchanged base first): chr2-151565765-TC-T. GRCh37 (hg19) VCF-style: chr2-152422279-TC-T.
Other names: NM_001164508.2(NEB):c.18211del; p.Asp6071fs; c.18211del, p.Asp6071fs (NM_001164507.2, NM_001271208.2); c.13108del, p.Asp4370fs (NM_004543.5); short protein forms D4370fs, D6071fs.
Identifiers: ClinVar variation 959919 (VCV000959919.13), dbSNP rs997878946, ClinGen allele CA57659219.

ClinVar aggregate classification (germline): Pathogenic/Likely pathogenic. Review status: criteria provided, multiple submitters, no conflicts (2 of 4 stars). 5 submissions from 5 submitters: Pathogenic (3); Likely pathogenic (2). Last evaluated 2025-11-06.

Conditions:
Nemaline myopathy 2 (NEM2). Also called: Nemaline myopathy 2, autosomal recessive. Identifiers: MedGen C1850569, MONDO:0009725, OMIM 256030.
Arthrogryposis multiplex congenita 6. Identifiers: MedGen C5543431, MONDO:0030281, OMIM 619334.
Nemaline myopathy. Also called: Myopathies, Nemaline. Identifiers: Orphanet 607, MedGen C0206157, MONDO:0018958.

Submissions (5):

Natera, Inc.
Classification: Likely pathogenic for Nemaline myopathy type 2. Last evaluated: 2025-11-06. Review status: criteria provided, single submitter. Criteria: Natera Variant Classification Schema (03/2026). Collection method: clinical testing. Allele origin: germline.
Comment: The c.18211del variant in NEB is a frameshift variant predicted to shift the reading frame beginning at codon 6071 and leads to a stop codon 6 codons downstream. This variant is expected to result in nonsense mediated decay, truncation, or a dysfunctional protein product. This variant is rare in the general population with a frequency below the threshold expected for the associated phenotype(s). Given the available evidence, this variant is classified as Likely Pathogenic.

Broad Center for Mendelian Genomics, Broad Institute of MIT and Harvard
Classification: Likely pathogenic for Nemaline myopathy. Last evaluated: 2025-03-10. Review status: criteria provided, single submitter. Criteria: ACMG Guidelines, 2015. Collection method: curation. Allele origin: germline. Inheritance: Autosomal recessive inheritance.
Comment: The p.Asp6071IlefsTer6 variant in NEB has been reported in one individual with nemaline myopathy (PMID: 25205138), and has been identified in 0.002% (1/44528) of Latino/Admixed American chromosomes by the Genome Aggregation Database (gnomAD; dbSNP ID: rs997878946). Although this variant has been seen in the general population in a heterozygous state, its frequency is low enough to be consistent with a recessive carrier frequency. This variant has also been reported in ClinVar (Variation ID: 959919) and has been interpreted as pathogenic by Invitae. This variant is predicted to cause a frameshift, which alters the protein‚Äôs amino acid sequence beginning at position 6071 and leads to a premature termination codon 6 amino acids downstream. This alteration is then predicted to lead to a truncated or absent protein. Loss of function of the NEB gene is an established disease mechanism in autosomal recessive nemaline myopathy. In summary, although additional studies are required to fully establish its clinical significance, this variant is likely pathogenic for autosomal autosomal recessive nemaline myopathy. ACMG/AMP Criteria applied: PVS1, PM2_supporting (Richards 2015).

Fulgent Genetics
Classification: Pathogenic for Nemaline myopathy 2; Arthrogryposis multiplex congenita 6. Last evaluated: 2024-02-21. Review status: criteria provided, single submitter. Criteria: ACMG Guidelines, 2015. Collection method: clinical testing. Allele origin: germline.

Labcorp Genetics (formerly Invitae), Labcorp
Classification: Pathogenic for Nemaline myopathy 2. Last evaluated: 2024-01-19. Review status: criteria provided, single submitter. Criteria: Invitae Variant Classification Sherloc (09022015). Collection method: clinical testing. Allele origin: germline.
Comment: This sequence change creates a premature translational stop signal (p.Asp6071Ilefs*6) in the NEB gene. It is expected to result in an absent or disrupted protein product. Loss-of-function variants in NEB are known to be pathogenic (PMID: 25205138). This variant is present in population databases (no rsID available, gnomAD 0.003%). This premature translational stop signal has been observed in individual(s) with nemaline myopathy (PMID: 25205138). ClinVar contains an entry for this variant (Variation ID: 959919). For these reasons, this variant has been classified as Pathogenic.

Baylor Genetics
Classification: Pathogenic for Arthrogryposis multiplex congenita 6. Last evaluated: 2023-09-02. Review status: criteria provided, single submitter. Criteria: ACMG Guidelines, 2015. Collection method: clinical testing. Allele origin: unknown.

Literature cited by the submitters: PubMed 25205138 (cited by Labcorp Genetics (formerly Invitae), Labcorp).